The following is an entry in ClinVar:

NM_001379500.1(COL18A1):c.355G>A (p.Val119Ile)

Gene: COL18A1 (collagen type XVIII alpha 1 chain; plus strand). Cytogenetic location: 21q22.3.
Variant type: single nucleotide variant.
Coding change: c.355G>A on transcript NM_001379500.1 (MANE Select); coding-DNA position 355, G replaced by A.
Protein change: p.Val119Ile; replaces valine 119 with isoleucine.
Molecular consequence: missense variant.
Genome position (GRCh38, 1-based): chr21:45,468,490, G>A. VCF-style: chr21-45468490-G-A. GRCh37 (hg19) VCF-style: chr21-46888404-G-A.
Other names: c.895G>A, p.Val299Ile (NM_030582.4); c.1600G>A, p.Val534Ile (NM_130444.3); short protein forms V299I, V119I, V534I.
Identifiers: ClinVar variation 2059410 (VCV002059410.1), dbSNP rs939079187, ClinGen allele CA321906123.

ClinVar aggregate classification (germline): Uncertain significance (1 of 4 stars; one submission).

Allele frequency attached by ClinVar (database versions not stated): gnomAD exomes below 0.00001; TOPMed 0.00001.
gnomAD v4.1: 3 of 1,613,858 alleles (0.00019%); highest among the groups gnomAD compares: Admixed American, 0.0017%; no homozygotes.

Submission:

Labcorp Genetics (formerly Invitae), Labcorp
Classification: Uncertain significance. Last evaluated: 2022-06-10. Review status: criteria provided, single submitter. Criteria: Invitae Variant Classification Sherloc (09022015). Collection method: clinical testing. Allele origin: germline.
Comment: This sequence change replaces valine, which is neutral and non-polar, with isoleucine, which is neutral and non-polar, at codon 119 of the COL18A1 protein (p.Val119Ile). This variant is present in population databases (no rsID available, gnomAD 0.003%). This variant has not been reported in the literature in individuals affected with COL18A1-related conditions. Experimental studies and prediction algorithms are not available or were not evaluated, and the functional significance of this variant is currently unknown. In summary, the available evidence is currently insufficient to determine the role of this variant in disease. Therefore, it has been classified as a Variant of Uncertain Significance.